The following is an entry in ClinVar:

NM_024685.4(BBS10):c.1000_1001insGA (p.Leu334Ter)

Gene: BBS10 (Bardet-Biedl syndrome 10; minus strand). Cytogenetic location: 12q21.2.
Variant type: Insertion.
Coding change: c.1000_1001insGA on transcript NM_024685.4 (MANE Select); coding-DNA positions 1000 to 1001, GA inserted.
Protein change: p.Leu334Ter; replaces leucine 334 with a stop codon.
Molecular consequence: nonsense.
Genome position: GRCh38 VCF-style: chr12-76346984-A-ATC. GRCh37 (hg19) VCF-style: chr12-76740764-A-ATC.
Other names: c.1000_1001insGA, p.Leu334Ter (LRG_1255t1); short protein forms L334*.
Identifiers: ClinVar variation 554851 (VCV000554851.5), dbSNP rs1555202657, ClinGen allele CA658823431.

ClinVar aggregate classification (germline): Likely pathogenic. Review status: criteria provided, multiple submitters, no conflicts (2 of 4 stars). 4 submissions from 4 submitters: Likely pathogenic (3). 1 of the submissions does not count toward it. Last evaluated 2026-06-02.

Conditions:
BBS10-related disorder. Also called: BBS10-related condition.
Bardet-Biedl syndrome 10 (BBS10). Identifiers: Orphanet 110, MedGen C1859568, MONDO:0014438, OMIM 615987.

Allele frequency attached by ClinVar (database versions not stated): gnomAD exomes below 0.00001; gnomAD 0.00001; TOPMed 0.00001.

Submissions (4):

PreventionGenetics, part of Exact Sciences
Classification: Likely pathogenic for BBS10-related condition. Last evaluated: 2026-06-02. Review status: criteria provided, single submitter. Criteria: ACMG Guidelines, 2015. Collection method: clinical testing. Allele origin: germline.
Comment: The BBS10 c.1000_1001insGA variant is predicted to result in premature protein termination (p.Leu334*). To our knowledge, this variant has not been reported in literature or a large population database (gnomAD), indicating this variant is rare. Nonsense variants in BBS10 are expected to be pathogenic. This variant is interpreted as likely pathogenic.

Fulgent Genetics
Classification: Likely pathogenic for Bardet-Biedl syndrome 10. Last evaluated: 2022-01-01. Review status: criteria provided, single submitter. Criteria: ACMG Guidelines, 2015. Collection method: clinical testing. Allele origin: unknown.

Blueprint Genetics
Classification: Likely pathogenic for BBS10-related disorders. Last evaluated: 2019-06-18. Review status: criteria provided, single submitter. Criteria: ACMG Guidelines, 2015. Collection method: clinical testing. Allele origin: germline. Affected: yes. Observed: 1 variant allele.

Counsyl
Classification: Likely pathogenic for Bardet-Biedl syndrome 10. Last evaluated: 2017-11-14. Review status: no assertion criteria provided. Collection method: clinical testing. Allele origin: unknown. Not counted in ClinVar's aggregate classification.